The following is an entry in ClinVar:

ClinVar aggregate classification (germline): Uncertain significance. Review status: criteria provided, multiple submitters, no conflicts (2 of 4 stars). 2 submissions from 2 submitters: Uncertain significance (2). Last evaluated 2025-12-26.

Conditions:
PRKG1-related disorder. Also called: PRKG1-related condition.
Familial thoracic aortic aneurysm and aortic dissection (TAAD). Also called: Thoracic aortic aneurysms and dissections. Identifiers: Orphanet 91387, MedGen C4707243, MONDO:0019625.

gnomAD v4.1: 1 of 1,611,526 alleles (0.000062%); highest among the groups gnomAD compares: East Asian, 0.0022%; no homozygotes.

Submissions (2):

Ambry Genetics
Classification: Uncertain significance for Familial thoracic aortic aneurysm and aortic dissection. Last evaluated: 2025-12-26. Review status: criteria provided, single submitter. Criteria: Ambry Variant Classification Scheme 2023. Collection method: clinical testing. Allele origin: germline.
Comment: The p.D107G variant (also known as c.320A>G), located in coding exon 2 of the PRKG1 gene, results from an A to G substitution at nucleotide position 320. The aspartic acid at codon 107 is replaced by glycine, an amino acid with similar properties. This amino acid position is conserved. In addition, the in silico prediction for this alteration is inconclusive. Based on the available evidence, the clinical significance of this variant remains unclear.

PreventionGenetics, part of Exact Sciences
Classification: Uncertain significance for PRKG1-related condition. Last evaluated: 2025-09-30. Review status: criteria provided, single submitter. Criteria: ACMG Guidelines, 2015. Collection method: clinical testing. Allele origin: germline.
Comment: The PRKG1 c.320A>G variant is predicted to result in the amino acid substitution p.Asp107Gly. To our knowledge, this variant has not been reported in the literature. This variant is reported in 0.0054% of alleles in individuals of East Asian descent in gnomAD. At this time, the clinical significance of this variant is uncertain due to the absence of conclusive functional and genetic evidence.

NM_006258.4(PRKG1):c.320A>G (p.Asp107Gly)

Gene: PRKG1 (protein kinase cGMP-dependent 1; plus strand). Cytogenetic location: 10q21.1.
Variant type: single nucleotide variant.
Coding change: c.320A>G on transcript NM_006258.4 (MANE Select); coding-DNA position 320, A replaced by G.
Protein change: p.Asp107Gly; replaces aspartic acid 107 with glycine.
Molecular consequence: missense variant.
Genome position (GRCh38, 1-based): chr10:51,153,172, A>G. VCF-style: chr10-51153172-A-G. GRCh37 (hg19) VCF-style: chr10-52912932-A-G.
Other names: c.275A>G, p.Asp92Gly (NM_001098512.3); c.320A>G, p.Asp107Gly (NM_001374782.1); short protein forms D107G, D92G.
Identifiers: ClinVar variation 4842690 (VCV004842690.2).